The following is an entry in ClinVar:

NM_004393.6(DAG1):c.838C>T (p.Pro280Ser)

Gene: DAG1 (dystroglycan 1; plus strand). Cytogenetic location: 3p21.31.
Variant type: single nucleotide variant.
Coding change: c.838C>T on transcript NM_004393.6 (MANE Select); coding-DNA position 838, C replaced by T.
Protein change: p.Pro280Ser; replaces proline 280 with serine.
Molecular consequence: missense variant.
Genome position (GRCh38, 1-based): chr3:49,531,349, C>T. VCF-style: chr3-49531349-C-T. GRCh37 (hg19) VCF-style: chr3-49568782-C-T.
Other names: c.838C>T, p.Pro280Ser (NM_001165928.4, NM_001177634.3, NM_001177635.3 and 9 more transcripts); c.838C>T (NM_004393.4); short protein forms P280S.
Identifiers: ClinVar variation 1375375 (VCV001375375.5), dbSNP rs908394465, ClinGen allele CA74521960.
Genomic context (GRCh38, chr3:49,531,349, plus strand): 5'-TGGAAGCTGGGCTGCTCCCTGAACCAGAACAGTGTGCCTGACATTCATGGTGTAGAGGCC[C>T]CTGCCAGGGAGGGCGCAATGTCTGCTCAGCTTGGCTACCCTGTGGTGGGTTGGCACATCG-3'
Protein context (NP_004384.5, residues 270-290): SVPDIHGVEA[Pro280Ser]AREGAMSAQL

ClinVar aggregate classification (germline): Uncertain significance. Review status: criteria provided, multiple submitters, no conflicts (2 of 4 stars). 2 submissions from 2 submitters: Uncertain significance (2). Last evaluated 2024-02-24.

Conditions:
Autosomal recessive limb-girdle muscular dystrophy type 2P. Also called: Limb-Girdle Muscular Dystrophy Type 9C; MUSCULAR DYSTROPHY, LIMB-GIRDLE, TYPE 2P; MUSCULAR DYSTROPHY-DYSTROGLYCANOPATHY, LIMB-GIRDLE, DAG1-RELATED. Identifiers: Orphanet 280333, MedGen C4511963, MONDO:0013440, OMIM 613818.
Muscular dystrophy-dystroglycanopathy (congenital with brain and eye anomalies), type A9. Also called: WALKER-WARBURG SYNDROME OR MUSCLE-EYE BRAIN DISEASE, DAG1-RELATED; Muscular dystrophy-dystroglycanopathy (congenital with brain and eye anomalies), type a, 9. Identifiers: Orphanet 370997, Orphanet 899, MedGen C4225291, MONDO:0014683, OMIM 616538.

Allele frequency attached by ClinVar (database versions not stated): gnomAD exomes below 0.00001; TOPMed below 0.00001.

Submissions (2):

Labcorp Genetics (formerly Invitae), Labcorp
Classification: Uncertain significance for Autosomal recessive limb-girdle muscular dystrophy type 2P; Muscular dystrophy-dystroglycanopathy (congenital with brain and eye anomalies), type A9. Last evaluated: 2024-02-24. Review status: criteria provided, single submitter. Criteria: Invitae Variant Classification Sherloc (09022015). Collection method: clinical testing. Allele origin: germline.
Comment: This sequence change replaces proline, which is neutral and non-polar, with serine, which is neutral and polar, at codon 280 of the DAG1 protein (p.Pro280Ser). This variant is not present in population databases (gnomAD no frequency). This variant has not been reported in the literature in individuals affected with DAG1-related conditions. ClinVar contains an entry for this variant (Variation ID: 1375375). Advanced modeling of protein sequence and biophysical properties (such as structural, functional, and spatial information, amino acid conservation, physicochemical variation, residue mobility, and thermodynamic stability) performed at Invitae indicates that this missense variant is not expected to disrupt DAG1 protein function with a negative predictive value of 80%. In summary, the available evidence is currently insufficient to determine the role of this variant in disease. Therefore, it has been classified as a Variant of Uncertain Significance.

Athena Diagnostics
Classification: Uncertain significance. Last evaluated: 2023-01-16. Review status: criteria provided, single submitter. Criteria: Athena Diagnostics Criteria. Collection method: clinical testing. Allele origin: unknown.
Comment: Available data are insufficient to determine the clinical significance of the variant at this time. This variant has not been reported in large, multi-ethnic general populations. Computational tools predict that this variant is damaging.